The following is an entry in ClinVar:

ClinVar aggregate classification (germline): Uncertain significance (1 of 4 stars; one submission).

Allele frequency attached by ClinVar (database versions not stated): TOPMed 0.00001; ExAC 0.00002; gnomAD 0.00002.
gnomAD v4.1: 20 of 1,613,968 alleles (0.0012%); highest among the groups gnomAD compares: South Asian, 0.012%; no homozygotes.

Submission:

Labcorp Genetics (formerly Invitae), Labcorp
Classification: Uncertain significance. Last evaluated: 2022-07-02. Review status: criteria provided, single submitter. Criteria: Invitae Variant Classification Sherloc (09022015). Collection method: clinical testing. Allele origin: germline.
Comment: This sequence change replaces alanine, which is neutral and non-polar, with threonine, which is neutral and polar, at codon 373 of the SPPL2A protein (p.Ala373Thr). In summary, the available evidence is currently insufficient to determine the role of this variant in disease. Therefore, it has been classified as a Variant of Uncertain Significance. Algorithms developed to predict the effect of missense changes on protein structure and function (SIFT, PolyPhen-2, Align-GVGD) all suggest that this variant is likely to be disruptive. This variant has not been reported in the literature in individuals affected with SPPL2A-related conditions. This variant is present in population databases (rs550930877, gnomAD 0.01%).

NM_032802.4(SPPL2A):c.1117G>A (p.Ala373Thr)

Gene: SPPL2A (signal peptide peptidase like 2A; minus strand). Cytogenetic location: 15q21.2.
Variant type: single nucleotide variant.
Coding change: c.1117G>A on transcript NM_032802.4 (MANE Select); coding-DNA position 1117, G replaced by A.
Protein change: p.Ala373Thr; replaces alanine 373 with threonine.
Molecular consequence: missense variant.
Genome position (GRCh38, 1-based): chr15:50,726,350, C>T on the plus strand (G>A on the coding strand, the complement: SPPL2A is on the minus strand). VCF-style: chr15-50726350-C-T. GRCh37 (hg19) VCF-style: chr15-51018547-C-T.
Other names: short protein forms A373T.
Identifiers: ClinVar variation 2085560 (VCV002085560.4), dbSNP rs550930877, ClinGen allele CA7558308.
Genomic context (GRCh38, chr15:50,726,350, plus strand): 5'-ATAGCCATTTCTATTTCATTGCCATCCCTACCTTTTCATTATTTCCAAAAGGTCCAGCTG[C>T]GAGTTCAACCATGATACTCTCACCATTCTAAAATTGAGAAGGAAAAGAAGTTGTCTAATC-3'
Protein context (NP_116191.2, residues 363-383): KNGESIMVEL[Ala373Thr]AGPFGNNEKL